The following is an entry in ClinVar:

NM_201384.3(PLEC):c.1693A>G (p.Ile565Val)

Gene: PLEC (plectin; minus strand). Cytogenetic location: 8q24.3.
Variant type: single nucleotide variant.
Coding change: c.1693A>G on transcript NM_201384.3 (MANE Select); coding-DNA position 1693, A replaced by G.
Protein change: p.Ile565Val; replaces isoleucine 565 with valine.
Molecular consequence: missense variant.
Genome position (GRCh38, 1-based): chr8:143,932,837, T>C on the plus strand (A>G on the coding strand, the complement: PLEC is on the minus strand). VCF-style: chr8-143932837-T-C. GRCh37 (hg19) VCF-style: chr8-145007005-T-C.
Other names: c.1774A>G, p.Ile592Val (NM_000445.5); c.1651A>G, p.Ile551Val (NM_201378.4); c.1627A>G, p.Ile543Val (NM_201379.3); c.2104A>G, p.Ile702Val (NM_201380.4); c.1597A>G, p.Ile533Val (NM_201381.3); c.1693A>G, p.Ile565Val (NM_201382.4); c.1705A>G, p.Ile569Val (NM_201383.3); short protein forms I543V, I551V, I569V, I702V, I533V, I565V, I592V.
Identifiers: ClinVar variation 863063 (VCV000863063.7), dbSNP rs1401118530, ClinGen allele CA372579364.
Genomic context (GRCh38, chr8:143,932,837, plus strand): 5'-GCTCAGCGCCACCCACCTCGTCACTCCGTGCCCGCTCGATCTTGGCCCGGAATTCTTCGA[T>C]GGACTGGTGCAGGCCTCGGTGGCTGCCCAGCTGCGCCTCCACGCTGGGCAGGTCCACACC-3'
Protein context (NP_958786.1, residues 555-575): LGSHRGLHQS[Ile565Val]EEFRAKIERA

ClinVar aggregate classification (germline): Uncertain significance (1 of 4 stars; one submission).

Conditions:
Epidermolysis bullosa simplex 5B, with muscular dystrophy (EBS5B). Also called: EPIDERMOLYSIS BULLOSA SIMPLEX AND LIMB-GIRDLE MUSCULAR DYSTROPHY; Epidermolysis bullosa simplex with muscular dystrophy. Identifiers: Orphanet 257, MedGen C2931072, MONDO:0009181, OMIM 226670.
Epidermolysis bullosa simplex, Ogna type (EBS5A). Also called: Pidermolysis bullosa simplex 5A, Ogna type; EPIDERMOLYSIS BULLOSA SIMPLEX 5A, OGNA TYPE. Identifiers: Orphanet 79401, MedGen C0432317, MONDO:0007555, OMIM 131950.
Epidermolysis bullosa simplex 5C, with pyloric atresia (EBS5C). Also called: PLEC1-Related Epidermolysis Bullosa with Pyloric Atresia; PLEC-Related Epidermolysis Bullosa with Pyloric Atresia; Epidermolysis bullosa simplex with pyloric atresia. Identifiers: Orphanet 158684, MedGen C2677349, MONDO:0012807, OMIM 612138.
Autosomal recessive limb-girdle muscular dystrophy type 2Q (LGMDR17). Also called: MUSCULAR DYSTROPHY, LIMB-GIRDLE, AUTOSOMAL RECESSIVE 17. Identifiers: Orphanet 254361, MedGen C3150989, MONDO:0013390, OMIM 613723.
Epidermolysis bullosa simplex with nail dystrophy (EBS5D). Identifiers: MedGen C4225309, MONDO:0014661, OMIM 616487.

Allele frequency attached by ClinVar (database versions not stated): TOPMed below 0.00001; gnomAD 0.00001; gnomAD exomes 0.00001.
gnomAD v4.1: 5 of 1,612,452 alleles (0.00031%); highest among the groups gnomAD compares: Non-Finnish European, 0.00042%; no homozygotes.

Submission:

Labcorp Genetics (formerly Invitae), Labcorp
Classification: Uncertain significance for Autosomal recessive limb-girdle muscular dystrophy type 2Q; Epidermolysis bullosa simplex, Ogna type; Epidermolysis bullosa simplex with nail dystrophy; Epidermolysis bullosa simplex 5C, with pyloric atresia; Epidermolysis bullosa simplex 5B, with muscular dystrophy. Last evaluated: 2023-05-15. Review status: criteria provided, single submitter. Criteria: Invitae Variant Classification Sherloc (09022015). Collection method: clinical testing. Allele origin: germline.
Comment: This variant is present in population databases (no rsID available, gnomAD 0.002%). In summary, the available evidence is currently insufficient to determine the role of this variant in disease. Therefore, it has been classified as a Variant of Uncertain Significance. Advanced modeling of protein sequence and biophysical properties (such as structural, functional, and spatial information, amino acid conservation, physicochemical variation, residue mobility, and thermodynamic stability) performed at Invitae indicates that this missense variant is not expected to disrupt PLEC protein function. ClinVar contains an entry for this variant (Variation ID: 863063). This variant has not been reported in the literature in individuals affected with PLEC-related conditions. This sequence change replaces isoleucine, which is neutral and non-polar, with valine, which is neutral and non-polar, at codon 592 of the PLEC protein (p.Ile592Val).